The following is an entry in ClinVar:

NM_001267550.2(TTN):c.25065G>A (p.Ala8355=)

Gene: TTN (titin; minus strand). Cytogenetic location: 2q31.2.
Variant type: single nucleotide variant.
Coding change: c.25065G>A on transcript NM_001267550.2 (MANE Select); coding-DNA position 25065, G replaced by A.
Protein change: p.Ala8355=; no amino-acid change (alanine 8355 retained).
Molecular consequence: synonymous variant. On other transcripts: intron variant (3).
Genome position (GRCh38, 1-based): chr2:178,717,809, C>T on the plus strand (G>A on the coding strand, the complement: TTN is on the minus strand). VCF-style: chr2-178717809-C-T. GRCh37 (hg19) VCF-style: chr2-179582536-C-T.
Other names: c.24114G>A, p.Ala8038= (NM_001256850.1); c.21333G>A, p.Ala7111= (NM_133378.4); c.13282+20273G>A (NM_003319.4); c.13858+20273G>A (NM_133437.4); c.13657+20273G>A (NM_133432.3).
Identifiers: ClinVar variation 46751 (VCV000046751.26), dbSNP rs397517514, ClinGen allele CA139114.
Genomic context (GRCh38, chr2:178,717,809, plus strand): 5'-GAAGCCTAGAGTCTCATGAACGTCTTTCAGTTTTCTTGCAAAGAAAGGTGGAAGTTTGCG[C>T]GCTGTAAAGAAGTTACAGATAATCCTTATTTACAGGTGAGAAGGCATCCACAACATATTT-3'
Protein context (NP_001254479.2, residues 8345-8365): VASSAVLVIK[Ala8355=]RKLPPFFARK

ClinVar aggregate classification (germline): Likely benign. Review status: criteria provided, multiple submitters, no conflicts (2 of 4 stars). 9 submissions from 9 submitters: Likely benign (7). 2 of the submissions do not count toward it. Last evaluated 2025-12-15.

Conditions:
Dilated cardiomyopathy 1G (CMD1G). Identifiers: Orphanet 154, MedGen C1858763, MONDO:0011400, OMIM 604145.
Autosomal recessive limb-girdle muscular dystrophy type 2J (LGMDR10). Also called: Limb-girdle muscular dystrophy, type 2J; MUSCULAR DYSTROPHY, LIMB-GIRDLE, AUTOSOMAL RECESSIVE 10. Identifiers: Orphanet 140922, MedGen C1837342, MONDO:0012127, OMIM 608807.
Cardiomyopathy (CMYO). Also called: Cardiomyopathies. Identifiers: Orphanet 167848, MedGen C0878544, MONDO:0004994, HP:0001638. Inheritance: Various modes of inheritance.

Allele frequency attached by ClinVar (database versions not stated): ExAC 0.00004; gnomAD exomes 0.00004; gnomAD 0.00011; 1000 Genomes Project 30x 0.00016; TOPMed 0.00016; 1000 Genomes Project 0.00020.
gnomAD v4.1: 57 of 1,603,890 alleles (0.0036%); highest among the groups gnomAD compares: African/African-American, 0.038%; no homozygotes.

Submissions (9):

Labcorp Genetics (formerly Invitae), Labcorp
Classification: Likely benign for Dilated cardiomyopathy 1G; Autosomal recessive limb-girdle muscular dystrophy type 2J. Last evaluated: 2025-12-15. Review status: criteria provided, single submitter. Criteria: Invitae Variant Classification Sherloc (09022015). Collection method: clinical testing. Allele origin: germline.

CeGaT Center for Human Genetics Tuebingen
Classification: Likely benign. Last evaluated: 2025-12-01. Review status: criteria provided, single submitter. Criteria: CeGaT Center For Human Genetics Tuebingen Variant Classification Criteria Version 2. Collection method: clinical testing. Allele origin: germline. Affected: yes. Observed: 1 variant allele.
Comment: TTN: BP4, BP7

Molecular Diagnostic Laboratory for Inherited Cardiovascular Disease, Montreal Heart Institute
Classification: Likely benign. Last evaluated: 2025-07-24. Review status: criteria provided, single submitter. Criteria: ACMG Guidelines, 2015. Collection method: clinical testing. Allele origin: germline. Affected: no.
Comment: BP7

Blueprint Genetics
Classification: Likely benign. Last evaluated: 2023-11-02. Review status: criteria provided, single submitter. Criteria: ACMG Guidelines, 2015. Collection method: clinical testing. Allele origin: germline.

CHEO Genetics Diagnostic Laboratory, Children's Hospital of Eastern Ontario
Classification: Likely benign for Cardiomyopathy. Last evaluated: 2022-03-23. Review status: criteria provided, single submitter. Criteria: ACMG Guidelines, 2015. Collection method: clinical testing. Allele origin: germline.

GeneDx
Classification: Likely benign. Last evaluated: 2021-04-23. Review status: criteria provided, single submitter. Criteria: GeneDx Variant Classification Process June 2021. Collection method: clinical testing. Allele origin: germline. Affected: yes.

Laboratory for Molecular Medicine, Mass General Brigham Personalized Medicine
Classification: Likely benign. Last evaluated: 2016-01-26. Review status: criteria provided, single submitter. Criteria: LMM Criteria. Collection method: clinical testing. Allele origin: germline. Observed: 3 variant alleles.
Comment: p.Ala7111Ala in exon 84 of TTN: This variant is not expected to have clinical s ignificance because it does not alter an amino acid residue and is not located w ithin the splice consensus sequence. It has been identified in 3/9382 African ch romosomes by the Exome Aggregation Consortium (ExAC. org; dbSNP rs397517514).

Clinical Genetics, Academic Medical Center
Classification: Benign. Review status: no assertion criteria provided. Collection method: clinical testing. Allele origin: germline. Affected: yes. Study: VKGL Data-share Consensus. Not counted in ClinVar's aggregate classification.

Joint Genome Diagnostic Labs from Nijmegen and Maastricht, Radboudumc and MUMC+
Classification: Benign. Review status: no assertion criteria provided. Collection method: clinical testing. Allele origin: germline. Affected: yes. Study: VKGL Data-share Consensus. Not counted in ClinVar's aggregate classification.